The following is an entry in ClinVar:

NM_001710.6(CFB):c.1657G>A (p.Val553Ile)

Gene: CFB (complement factor B; plus strand). Cytogenetic location: 6p21.33.
Variant type: single nucleotide variant.
Coding change: c.1657G>A on transcript NM_001710.6 (MANE Select); coding-DNA position 1657, G replaced by A.
Protein change: p.Val553Ile; replaces valine 553 with isoleucine.
Molecular consequence: missense variant.
Genome position (GRCh38, 1-based): chr6:31,950,651, G>A. VCF-style: chr6-31950651-G-A. GRCh37 (hg19) VCF-style: chr6-31918428-G-A.
Other names: short protein forms V553I.
Identifiers: ClinVar variation 2053566 (VCV002053566.4), dbSNP rs2482706735, ClinGen allele CA363408692.

ClinVar aggregate classification (germline): Uncertain significance (1 of 4 stars; one submission).

Submission:

Labcorp Genetics (formerly Invitae), Labcorp
Classification: Uncertain significance. Last evaluated: 2021-12-22. Review status: criteria provided, single submitter. Criteria: Invitae Variant Classification Sherloc (09022015). Collection method: clinical testing. Allele origin: germline.
Comment: Algorithms developed to predict the effect of missense changes on protein structure and function output the following: SIFT: "Tolerated"; PolyPhen-2: "Benign"; Align-GVGD: "Class C0". The isoleucine amino acid residue is found in multiple mammalian species, which suggests that this missense change does not adversely affect protein function. In summary, the available evidence is currently insufficient to determine the role of this variant in disease. Therefore, it has been classified as a Variant of Uncertain Significance. This variant has not been reported in the literature in individuals affected with CFB-related conditions. This variant is not present in population databases (gnomAD no frequency). This sequence change replaces valine, which is neutral and non-polar, with isoleucine, which is neutral and non-polar, at codon 553 of the CFB protein (p.Val553Ile).